The following is an entry in ClinVar:

ClinVar aggregate classification (germline): Likely pathogenic (1 of 4 stars; one submission).

Conditions:
Neurofibromatosis, type 1 (NF1). Also called: VON RECKLINGHAUSEN DISEASE; NEUROFIBROMATOSIS, TYPE I, SOMATIC; Peripheral type neurofibromatosis; Neurofibromatosis, type I. Identifiers: Orphanet 636, MedGen C0027831, MONDO:0018975, OMIM 162200. Disease mechanism: loss of function.

Submission:

Labcorp Genetics (formerly Invitae), Labcorp
Classification: Likely pathogenic for Neurofibromatosis, type 1. Last evaluated: 2022-11-29. Review status: criteria provided, single submitter. Criteria: Invitae Variant Classification Sherloc (09022015). Collection method: clinical testing. Allele origin: germline.
Comment: This sequence change replaces lysine, which is basic and polar, with asparagine, which is neutral and polar, at codon 1436 of the NF1 protein (p.Lys1436Asn). In summary, the currently available evidence indicates that the variant is pathogenic, but additional data are needed to prove that conclusively. Therefore, this variant has been classified as Likely Pathogenic. This variant disrupts the p.Lys1436 amino acid residue in NF1. Other variant(s) that disrupt this residue have been determined to be pathogenic (PMID: 21354044, 23913538, 24789688). This suggests that this residue is clinically significant, and that variants that disrupt this residue are likely to be disease-causing. Advanced modeling of protein sequence and biophysical properties (such as structural, functional, and spatial information, amino acid conservation, physicochemical variation, residue mobility, and thermodynamic stability) performed at Invitae indicates that this missense variant is expected to disrupt NF1 protein function. ClinVar contains an entry for this variant (Variation ID: 950400). This variant has not been reported in the literature in individuals affected with NF1-related conditions. This variant is not present in population databases (gnomAD no frequency).

Literature cited by the submitters: PubMed 21354044; PubMed 23913538; PubMed 24789688.

NM_001042492.3(NF1):c.4371A>T (p.Lys1457Asn)

Gene: NF1 (neurofibromin 1; plus strand). Cytogenetic location: 17q11.2.
Variant type: single nucleotide variant.
Coding change: c.4371A>T on transcript NM_001042492.3 (MANE Select); coding-DNA position 4371, A replaced by T.
Protein change: p.Lys1457Asn; replaces lysine 1457 with asparagine.
Molecular consequence: missense variant.
Genome position (GRCh38, 1-based): chr17:31,259,070, A>T. VCF-style: chr17-31259070-A-T. GRCh37 (hg19) VCF-style: chr17-29586088-A-T.
Other names: c.4308A>T, p.Lys1436Asn (NM_000267.4); short protein forms K1436N, K1457N.
Identifiers: ClinVar variation 950400 (VCV000950400.6), dbSNP rs1555618658, ClinGen allele CA398998808.
Genomic context (GRCh38, chr17:31,259,070, plus strand): 5'-ATAACCCTGTTTTATTGTGTAGATACTTCAGAGTATTGCCAATCATGTTCTCTTCACAAA[A>T]GAAGAACATATGCGGCCTTTCAATGATTTTGTGAAAAGCAACTTTGATGCAGCACGCAGG-3'
Protein context (NP_001035957.1, residues 1447-1467): QSIANHVLFT[Lys1457Asn]EEHMRPFNDF